The following is an entry in ClinVar:

NM_000074.3(CD40LG):c.707C>T (p.Ser236Leu)

Gene: CD40LG (CD40 ligand; plus strand). Cytogenetic location: Xq26.3.
Variant type: single nucleotide variant.
Coding change: c.707C>T on transcript NM_000074.3 (MANE Select); coding-DNA position 707, C replaced by T.
Protein change: p.Ser236Leu; replaces serine 236 with leucine.
Molecular consequence: missense variant.
Genome position (GRCh38, 1-based): chrX:136,659,336, C>T. VCF-style: chrX-136659336-C-T. GRCh37 (hg19) VCF-style: chrX-135741495-C-T.
Other names: c.707C>T (NM_000074.2); short protein forms S236L.
Identifiers: ClinVar variation 871949 (VCV000871949.43), dbSNP rs1252281345, ClinGen allele CA414756683.
Genomic context (GRCh38, chrX:136,659,336, plus strand): 5'-AACCTTGCGGGCAACAATCCATTCACTTGGGAGGAGTATTTGAATTGCAACCAGGTGCTT[C>T]GGTGTTTGTCAATGTGACTGATCCAAGCCAAGTGAGCCATGGCACTGGCTTCACGTCCTT-3'
Protein context (NP_000065.1, residues 226-246): GGVFELQPGA[Ser236Leu]VFVNVTDPSQ

ClinVar aggregate classification (germline): Uncertain significance. Review status: criteria provided, multiple submitters, no conflicts (2 of 4 stars). 3 submissions from 3 submitters: Uncertain significance (3). Last evaluated 2025-04-21.

Conditions:
Inborn genetic diseases. Identifiers: MedGen C0950123, MeSH D030342.
Hyper-IgM syndrome type 1. Also called: X-linked hyper-IgM syndrome; Hyper-IgM Immunodeficiency Syndrome, Type 1; Immunodeficiency, X-linked, with hyper-IgM; CD40 Ligand Deficiency. Identifiers: Orphanet 101088, MedGen C0398689, MONDO:0010626, OMIM 308230.

Allele frequency attached by ClinVar (database versions not stated): gnomAD exomes 0.00001; TOPMed 0.00001; gnomAD 0.00004.
gnomAD v4.1: 17 of 1,208,864 alleles (0.0014%); highest among the groups gnomAD compares: South Asian, 0.0018%; no homozygotes.

Submissions (3):

Ambry Genetics
Classification: Uncertain significance for Inborn genetic diseases. Last evaluated: 2025-04-21. Review status: criteria provided, single submitter. Criteria: Ambry Variant Classification Scheme 2023. Collection method: clinical testing. Allele origin: germline.

Labcorp Genetics (formerly Invitae), Labcorp
Classification: Uncertain significance for Hyper-IgM syndrome type 1. Last evaluated: 2025-03-10. Review status: criteria provided, single submitter. Criteria: Invitae Variant Classification Sherloc (09022015). Collection method: clinical testing. Allele origin: germline.
Comment: This sequence change replaces serine, which is neutral and polar, with leucine, which is neutral and non-polar, at codon 236 of the CD40LG protein (p.Ser236Leu). This variant is present in population databases (no rsID available, gnomAD 0.001%). This variant has not been reported in the literature in individuals affected with CD40LG-related conditions. ClinVar contains an entry for this variant (Variation ID: 871949). Invitae Evidence Modeling of protein sequence and biophysical properties (such as structural, functional, and spatial information, amino acid conservation, physicochemical variation, residue mobility, and thermodynamic stability) indicates that this missense variant is not expected to disrupt CD40LG protein function with a negative predictive value of 80%. In summary, the available evidence is currently insufficient to determine the role of this variant in disease. Therefore, it has been classified as a Variant of Uncertain Significance.

CeGaT Center for Human Genetics Tuebingen
Classification: Uncertain significance. Last evaluated: 2020-06-01. Review status: criteria provided, single submitter. Criteria: CeGaT Center For Human Genetics Tuebingen Variant Classification Criteria Version 2. Collection method: clinical testing. Allele origin: germline. Affected: yes. Observed: 2 variant alleles.